The following is an entry in ClinVar:

NM_001110556.2(FLNA):c.7824C>T (p.His2608=)

Genes: FLNA (filamin A; minus strand), LOC107988032 (Xq28 proximal FLNA-EMD recombination region; plus strand). Cytogenetic location: Xq28.
Variant type: single nucleotide variant.
Coding change: c.7824C>T on transcript NM_001110556.2 (MANE Select); coding-DNA position 7824, C replaced by T.
Protein change: p.His2608=; no amino-acid change (histidine 2608 retained).
Molecular consequence: synonymous variant.
Genome position (GRCh38, 1-based): chrX:154,348,969, G>A on the plus strand (C>T on the coding strand, the complement: FLNA is on the minus strand). VCF-style: chrX-154348969-G-A. GRCh37 (hg19) VCF-style: chrX-153577337-G-A.
Other names: c.7800C>T, p.His2600= (NM_001456.4).
Identifiers: ClinVar variation 705286 (VCV000705286.17), dbSNP rs782530835, ClinGen allele CA10559821.

ClinVar aggregate classification (germline): Likely benign. Review status: criteria provided, multiple submitters, no conflicts (2 of 4 stars). 5 submissions from 5 submitters: Likely benign (5). Last evaluated 2026-02-04.

Conditions:
Familial thoracic aortic aneurysm and aortic dissection (TAAD). Also called: Thoracic aortic aneurysms and dissections. Identifiers: Orphanet 91387, MedGen C4707243, MONDO:0019625.
Heterotopia, periventricular, X-linked dominant (PVNH1). Also called: PERIVENTRICULAR NODULAR HETEROTOPIA 1; X-linked periventricular heterotopia; PERIVENTRICULAR NODULAR HETEROTOPIA 4; HETEROTOPIA, PERIVENTRICULAR, 1. Identifiers: Orphanet 2149, Orphanet 82004, MedGen C1848213, MONDO:0010233, OMIM 300049.
Oto-palato-digital syndrome, type II (OPD2). Also called: Otopalatodigital Syndrome, Type II; Otopalatodigital Syndrome Type 2 (FLNA-OPD2); FACIOPALATOOSSEOUS SYNDROME; OPD II SYNDROME. Identifiers: Orphanet 669, Orphanet 90652, MedGen C1844696, MONDO:0010571, OMIM 304120.
Melnick-Needles syndrome (MNS). Also called: OSTEODYSPLASTY OF MELNICK AND NEEDLES; Melnick-Needles Syndrome (FLNA-MNS); MELNICK-NEEDLES OSTEODYSPLASTY. Identifiers: Orphanet 2484, MedGen C0025237, MONDO:0010650, OMIM 309350.
Frontometaphyseal dysplasia (FMD1). Identifiers: Orphanet 1826, MedGen C0265293, MONDO:0015942.

Allele frequency attached by ClinVar (database versions not stated): gnomAD 0.00001 and 0.00002; ExAC 0.00002; gnomAD exomes 0.00003 and 0.00007; TOPMed 0.00004.
gnomAD v4.1: 34 of 1,209,782 alleles (0.0028%); highest among the groups gnomAD compares: Middle Eastern, 0.023%; no homozygotes.

Submissions (5):

Labcorp Genetics (formerly Invitae), Labcorp
Classification: Likely benign for Oto-palato-digital syndrome, type II; Heterotopia, periventricular, X-linked dominant; Frontometaphyseal dysplasia; Melnick-Needles syndrome. Last evaluated: 2026-02-04. Review status: criteria provided, single submitter. Criteria: Invitae Variant Classification Sherloc (09022015). Collection method: clinical testing. Allele origin: germline.

CeGaT Center for Human Genetics Tuebingen
Classification: Likely benign. Last evaluated: 2026-02-01. Review status: criteria provided, single submitter. Criteria: CeGaT Center For Human Genetics Tuebingen Variant Classification Criteria Version 2. Collection method: clinical testing. Allele origin: germline. Affected: yes. Observed: 1 variant allele.
Comment: FLNA: BP4, BP7, BS2

Ambry Genetics
Classification: Likely benign for Familial thoracic aortic aneurysm and aortic dissection. Last evaluated: 2023-11-17. Review status: criteria provided, single submitter. Criteria: Ambry Variant Classification Scheme 2023. Collection method: clinical testing. Allele origin: germline.

Blueprint Genetics
Classification: Likely benign. Last evaluated: 2022-07-13. Review status: criteria provided, single submitter. Criteria: ACMG Guidelines, 2015. Collection method: clinical testing. Allele origin: germline.

GeneDx
Classification: Likely benign. Last evaluated: 2018-10-25. Review status: criteria provided, single submitter. Criteria: GeneDx Variant Classification Process June 2021. Collection method: clinical testing. Allele origin: germline. Affected: yes.